The following is an entry in ClinVar:

NM_000064.4(C3):c.4985C>T (p.Pro1662Leu)

Gene: C3 (complement C3; minus strand). Cytogenetic location: 19p13.3.
Variant type: single nucleotide variant.
Coding change: c.4985C>T on transcript NM_000064.4 (MANE Select); coding-DNA position 4985, C replaced by T.
Protein change: p.Pro1662Leu; replaces proline 1662 with leucine.
Molecular consequence: missense variant.
Genome position (GRCh38, 1-based): chr19:6,677,889, G>A on the plus strand (C>T on the coding strand, the complement: C3 is on the minus strand). VCF-style: chr19-6677889-G-A. GRCh37 (hg19) VCF-style: chr19-6677900-G-A.
Other names: short protein forms P1662L.
Identifiers: ClinVar variation 4280241 (VCV004280241.1).

ClinVar aggregate classification (germline): Uncertain significance (1 of 4 stars; one submission).

Conditions:
Atypical hemolytic-uremic syndrome. Identifiers: Orphanet 2134, MedGen C2931788, MONDO:0016244.

Submission:

Genomenon, Inc
Classification: Uncertain significance for Atypical hemolytic-uremic syndrome. Last evaluated: 2025-09-30. Review status: criteria provided, single submitter. Criteria: Genomenon Sequence Variant Interpretation Standards. Collection method: curation. Allele origin: germline. Affected: yes.
Comment: C3 p.Pro1662Leu (c.4985C>T) is a missense variant that changes the amino acid at residue 1662 from Proline to Leucine. This variant has been observed in at least one proband affected with atypical hemolytic-uremic syndrome (PMID:24352218). It is absent or not present at a significant frequency in gnomAD. In silico models agree that this variant is possibly or probably damaging. In conclusion, we classify C3 p.Pro1662Leu (c.4985C>T) as a variant of unknown significance.

Literature cited by the submitters: PubMed 24352218.